The following is an entry in ClinVar:

ClinVar aggregate classification (germline): Uncertain significance (1 of 4 stars; one submission).

Submission:

GeneDx
Classification: Uncertain significance. Last evaluated: 2020-09-02. Review status: criteria provided, single submitter. Criteria: GeneDx Variant Classification Process June 2021. Collection method: clinical testing. Allele origin: germline. Affected: yes.
Comment: Not observed in large population cohorts (Lek et al., 2016); In silico analysis supports that this missense variant does not alter protein structure/function; Has not been previously published as pathogenic or benign to our knowledge

NM_000069.3(CACNA1S):c.4611G>C (p.Met1537Ile)

Gene: CACNA1S (calcium voltage-gated channel subunit alpha1 S; minus strand). Cytogenetic location: 1q32.1.
Variant type: single nucleotide variant.
Coding change: c.4611G>C on transcript NM_000069.3 (MANE Select); coding-DNA position 4611, G replaced by C.
Protein change: p.Met1537Ile; replaces methionine 1537 with isoleucine.
Molecular consequence: missense variant.
Genome position (GRCh38, 1-based): chr1:201,047,172, C>G on the plus strand (G>C on the coding strand, the complement: CACNA1S is on the minus strand). VCF-style: chr1-201047172-C-G. GRCh37 (hg19) VCF-style: chr1-201016300-C-G.
Other names: short protein forms M1537I.
Identifiers: ClinVar variation 1315867 (VCV001315867.2), dbSNP rs2102553067, ClinGen allele CA344141984.